The following is an entry in ClinVar:

NM_000297.4(PKD2):c.2846C>T (p.Ser949Phe)

Gene: PKD2 (polycystin 2, transient receptor potential cation channel; plus strand). Cytogenetic location: 4q22.1.
Variant type: single nucleotide variant.
Coding change: c.2846C>T on transcript NM_000297.4 (MANE Select); coding-DNA position 2846, C replaced by T.
Protein change: p.Ser949Phe; replaces serine 949 with phenylalanine.
Molecular consequence: missense variant. On other transcripts: non-coding transcript variant (1).
Genome position (GRCh38, 1-based): chr4:88,075,633, C>T. VCF-style: chr4-88075633-C-T. GRCh37 (hg19) VCF-style: chr4-88996785-C-T.
Other names: c.2846C>T (NM_000297.3); short protein forms S949F.
Identifiers: ClinVar variation 1255535 (VCV001255535.13), dbSNP rs749666891, ClinGen allele CA3004379.

ClinVar aggregate classification (germline): Conflicting classifications of pathogenicity. Review status: criteria provided, conflicting classifications (1 of 4 stars). 5 submissions from 5 submitters: Uncertain significance (3); Likely benign (1). 1 of the submissions does not count toward it. Last evaluated 2026-03-27.

Conditions:
Polycystic kidney disease 2 (PKD2). Also called: Polycystic Kidney Disease 2, Autosomal Dominant; POLYCYSTIC KIDNEY DISEASE, ADULT, TYPE II; POLYCYSTIC KIDNEY DISEASE 2 WITH OR WITHOUT POLYCYSTIC LIVER DISEASE. Identifiers: MedGen C2751306, MONDO:0013131, OMIM 613095.
Autosomal dominant polycystic kidney disease. Identifiers: Orphanet 730, MedGen C0085413, MONDO:0004691.

gnomAD v4.1: 177 of 1,614,016 alleles (0.011%); highest among the groups gnomAD compares: Non-Finnish European, 0.015%; no homozygotes.

Submissions (5):

GeneDx
Classification: Uncertain significance. Last evaluated: 2026-03-27. Review status: criteria provided, single submitter. Criteria: GeneDx Variant Classification Process June 2021. Collection method: clinical testing. Allele origin: germline.
Comment: In silico analysis supports that this missense variant has a deleterious effect on protein structure/function; Has not been previously published as pathogenic or benign to our knowledge; This variant is associated with the following publications: (PMID: 37028763, 27071085)

Labcorp Genetics (formerly Invitae), Labcorp
Classification: Uncertain significance for Autosomal dominant polycystic kidney disease. Last evaluated: 2026-01-15. Review status: criteria provided, single submitter. Criteria: Invitae Variant Classification Sherloc (09022015). Collection method: clinical testing. Allele origin: germline.
Comment: This sequence change replaces serine, which is neutral and polar, with phenylalanine, which is neutral and non-polar, at codon 949 of the PKD2 protein (p.Ser949Phe). This variant is present in population databases (rs749666891, gnomAD 0.02%), and has an allele count higher than expected for a pathogenic variant. This variant has not been reported in the literature in individuals affected with PKD2-related conditions. ClinVar contains an entry for this variant (Variation ID: 1255535). An algorithm developed to predict the effect of missense changes on protein structure and function (PolyPhen-2) suggests that this variant is likely to be disruptive. Experimental studies have shown that this missense change does not substantially affect PKD2 function (PMID: 37028763). In summary, the available evidence is currently insufficient to determine the role of this variant in disease. Therefore, it has been classified as a Variant of Uncertain Significance.

Blueprint Genetics
Classification: Likely benign. Last evaluated: 2024-02-28. Review status: criteria provided, single submitter. Criteria: ACMG Guidelines, 2015. Collection method: clinical testing. Allele origin: germline.

Fulgent Genetics
Classification: Uncertain significance for Polycystic kidney disease 2. Last evaluated: 2021-09-08. Review status: criteria provided, single submitter. Criteria: ACMG Guidelines, 2015. Collection method: clinical testing. Allele origin: unknown.

Laboratory of Gastroenterology and Hepatology, Radboud University Medical Center
Classification: Uncertain significance for Autosomal dominant polycystic kidney disease. Last evaluated: 2021-09-01. Review status: no assertion criteria provided. Collection method: research. Allele origin: germline. Affected: yes. Not counted in ClinVar's aggregate classification.

Literature cited by the submitters: PubMed 37028763 (cited by Labcorp Genetics (formerly Invitae), Labcorp).